The following is an entry in ClinVar:

ClinVar aggregate classification (germline): Conflicting classifications of pathogenicity. Review status: criteria provided, conflicting classifications (1 of 4 stars). 4 submissions from 4 submitters: Uncertain significance (2); Likely benign (1). 1 of the submissions does not count toward it. Last evaluated 2023-08-30.

Conditions:
Cardiovascular phenotype. Identifiers: MedGen CN230736.
Duchenne muscular dystrophy (DMD). Also called: MUSCULAR DYSTROPHY, PSEUDOHYPERTROPHIC PROGRESSIVE, DUCHENNE TYPE; Duchenne Muscular Dystrophy (DMD). Identifiers: Orphanet 98896, MedGen C0013264, MONDO:0010679, OMIM 310200.
Dystrophin deficiency.
Becker muscular dystrophy (BMD). Also called: MUSCULAR DYSTROPHY, PSEUDOHYPERTROPHIC PROGRESSIVE, BECKER TYPE; Becker Muscular Dystrophy (BMD). Identifiers: Orphanet 98895, MedGen C0917713, MONDO:0010311, OMIM 300376.
Cardiomyopathy (CMYO). Also called: Cardiomyopathies. Identifiers: Orphanet 167848, MedGen C0878544, MONDO:0004994, HP:0001638. Inheritance: Various modes of inheritance.
Dilated cardiomyopathy 3B (CMD3B). Also called: CMD3B: DMD-Related Dilated Cardiomyopathy; CARDIOMYOPATHY, DILATED, X-LINKED; DMD-Associated Dilated Cardiomyopathy. Identifiers: Orphanet 154, MedGen C3668940, MONDO:0010542, OMIM 302045.

Allele frequency attached by ClinVar (database versions not stated): gnomAD exomes below 0.00001 and 0.00001; TOPMed below 0.00001; ExAC 0.00001; gnomAD 0.00002.
gnomAD v4.1: 3 of 1,178,478 alleles (0.00025%); highest among the groups gnomAD compares: African/African-American, 0.0053%; no homozygotes.

Submissions (4):

Labcorp Genetics (formerly Invitae), Labcorp
Classification: Likely benign for Duchenne muscular dystrophy. Last evaluated: 2023-08-30. Review status: criteria provided, single submitter. Criteria: Invitae Variant Classification Sherloc (09022015). Collection method: clinical testing. Allele origin: germline.

Fulgent Genetics
Classification: Uncertain significance for Becker muscular dystrophy; Dilated cardiomyopathy 3B; Duchenne muscular dystrophy. Last evaluated: 2021-08-06. Review status: criteria provided, single submitter. Criteria: ACMG Guidelines, 2015. Collection method: clinical testing. Allele origin: unknown.

Ambry Genetics
Classification: Uncertain significance for Cardiovascular phenotype. Last evaluated: 2019-10-07. Review status: criteria provided, single submitter. Criteria: Ambry Variant Classification Scheme 2023. Collection method: clinical testing. Allele origin: germline.
Comment: The c.11015-5T>A intronic variant results from a T to A substitution 5 nucleotides upstream from coding exon 78 in the DMD gene. This nucleotide position is highly conserved in available vertebrate species. Using two different splice site prediction tools, this alteration is predicted by BDGP to abolish the native splice acceptor site, but is predicted to weaken (but not abolish) the efficiency of the native splice acceptor site by ESEfinder; however, direct evidence is unavailable. Based on data from gnomAD, the A allele has an overall frequency of 0.001% (2/202455) total alleles studied. Since supporting evidence is limited at this time, the clinical significance of this alteration remains unclear.

Natera, Inc.
Classification: Uncertain significance for Becker muscular dystrophy; Cardiomyopathy; Duchenne muscular dystrophy; Dystrophin deficiency. Last evaluated: 2018-09-17. Review status: no assertion criteria provided. Collection method: clinical testing. Allele origin: germline. Not counted in ClinVar's aggregate classification.

NM_004006.3(DMD):c.11015-5T>A

Gene: DMD (dystrophin; minus strand). Cytogenetic location: Xp21.2.
Variant type: single nucleotide variant.
Coding change: c.11015-5T>A on transcript NM_004006.3 (MANE Select); 5 bases into the intron before coding-DNA position 11015, T replaced by A.
Molecular consequence: intron variant.
Genome position (GRCh38, 1-based): chrX:31,126,678, A>T on the plus strand (T>A on the coding strand, the complement: DMD is on the minus strand). VCF-style: chrX-31126678-A-T. GRCh37 (hg19) VCF-style: chrX-31144795-A-T.
Other names: c.10991-5T>A (NM_000109.4); c.6992-5T>A (NM_004011.4); c.6983-5T>A (NM_004012.4); c.3305-4748T>A (NM_004023.3); c.3305-5T>A (NM_004020.4); c.3596-4748T>A (NM_004022.3); c.3635-4748T>A (NM_004021.3); c.3635-5T>A (NM_004013.3); and 7 more.
Identifiers: ClinVar variation 952891 (VCV000952891.12), dbSNP rs753104670, ClinGen allele CA10377478.